The following is an entry in ClinVar:

NM_004006.3(DMD):c.3938T>C (p.Met1313Thr)

Gene: DMD (dystrophin; minus strand). Cytogenetic location: Xp21.1.
Variant type: single nucleotide variant.
Coding change: c.3938T>C on transcript NM_004006.3 (MANE Select); coding-DNA position 3938, T replaced by C.
Protein change: p.Met1313Thr; replaces methionine 1313 with threonine.
Molecular consequence: missense variant.
Genome position (GRCh38, 1-based): chrX:32,438,374, A>G on the plus strand (T>C on the coding strand, the complement: DMD is on the minus strand). VCF-style: chrX-32438374-A-G. GRCh37 (hg19) VCF-style: chrX-32456491-A-G.
Other names: c.3914T>C, p.Met1305Thr (NM_000109.4); c.3926T>C, p.Met1309Thr (NM_004009.3); c.3569T>C, p.Met1190Thr (NM_004010.3); short protein forms M1190T, M1305T, M1309T, M1313T.
Identifiers: ClinVar variation 3573686 (VCV003573686.2).

ClinVar aggregate classification (germline): Uncertain significance. Review status: criteria provided, multiple submitters, no conflicts (2 of 4 stars). 2 submissions from 2 submitters: Uncertain significance (2). Last evaluated 2024-07-15.

Conditions:
Becker muscular dystrophy (BMD). Also called: Becker Muscular Dystrophy (BMD); MUSCULAR DYSTROPHY, PSEUDOHYPERTROPHIC PROGRESSIVE, BECKER TYPE. Identifiers: Orphanet 98895, MedGen C0917713, MONDO:0010311, OMIM 300376.
Dilated cardiomyopathy 3B (CMD3B). Also called: CMD3B: DMD-Related Dilated Cardiomyopathy; CARDIOMYOPATHY, DILATED, X-LINKED; DMD-Associated Dilated Cardiomyopathy. Identifiers: Orphanet 154, MedGen C3668940, MONDO:0010542, OMIM 302045.
Duchenne muscular dystrophy (DMD). Also called: Duchenne Muscular Dystrophy (DMD); MUSCULAR DYSTROPHY, PSEUDOHYPERTROPHIC PROGRESSIVE, DUCHENNE TYPE. Identifiers: Orphanet 98896, MedGen C0013264, MONDO:0010679, OMIM 310200.

Submissions (2):

GeneDx
Classification: Uncertain significance. Last evaluated: 2024-07-15. Review status: criteria provided, single submitter. Criteria: GeneDx Variant Classification Process June 2021. Collection method: clinical testing. Allele origin: germline. Affected: yes.
Comment: Not observed at significant frequency in large population cohorts (gnomAD); In silico analysis supports that this missense variant has a deleterious effect on protein structure/function; Has not been previously published as pathogenic or benign to our knowledge

Clinical Genomics Laboratory, Stanford Medicine
Classification: Uncertain significance for Duchenne muscular dystrophy; Becker muscular dystrophy; Dilated cardiomyopathy 3B. Last evaluated: 2022-12-27. Review status: criteria provided, single submitter. Criteria: ACMG Guidelines, 2015. Collection method: clinical testing. Allele origin: germline. Observed: 1 variant allele, 1 heterozygote.
Comment: The p.Met1313Thr variant in the DMD gene has not been previously reported in association with disease. This variant was absent from large population databases, including the Genome Aggregation Database. Computational tools predict that this variant is neither deleterious nor benign; however, the accuracy of in silico algorithms is limited. These data were assessed using the ACMG/AMP variant interpretation guidelines. In summary, the significance of the p.Met1313Thr variant is uncertain. Additional information is needed to resolve the significance of this variant. [ACMG evidence codes used: PM2]